The following is an entry in ClinVar:

ClinVar aggregate classification (germline): Uncertain significance (1 of 4 stars; one submission).

gnomAD v4.1: 1 of 1,614,208 alleles (0.000062%); highest among the groups gnomAD compares: Non-Finnish European, 0.000085%; no homozygotes.

Submission:

GeneDx
Classification: Uncertain significance. Last evaluated: 2023-12-18. Review status: criteria provided, single submitter. Criteria: GeneDx Variant Classification Process June 2021. Collection method: clinical testing. Allele origin: germline. Affected: yes.
Comment: Not observed at significant frequency in large population cohorts (gnomAD); In silico analysis supports that this missense variant does not alter protein structure/function; Has not been previously published as pathogenic or benign to our knowledge

NM_133433.4(NIPBL):c.8366T>C (p.Val2789Ala)

Gene: NIPBL (NIPBL cohesin loading factor; plus strand). Cytogenetic location: 5p13.2.
Variant type: single nucleotide variant.
Coding change: c.8366T>C on transcript NM_133433.4 (MANE Select); coding-DNA position 8366, T replaced by C.
Protein change: p.Val2789Ala; replaces valine 2789 with alanine.
Molecular consequence: missense variant. On other transcripts: 3 prime UTR variant (1).
Genome position (GRCh38, 1-based): chr5:37,064,843, T>C. VCF-style: chr5-37064843-T-C. GRCh37 (hg19) VCF-style: chr5-37064945-T-C.
Other names: c.*820T>C (NM_015384.5); short protein forms V2789A.
Identifiers: ClinVar variation 3365835 (VCV003365835.1).